The following is an entry in ClinVar:

ClinVar aggregate classification (germline): Likely benign. Review status: criteria provided, multiple submitters, no conflicts (2 of 4 stars). 2 submissions from 2 submitters: Likely benign (2). Last evaluated 2026-05-05.

Conditions:
CADM3-related condition.

Allele frequency attached by ClinVar (database versions not stated): 1000 Genomes Project 0.00020; 1000 Genomes Project 30x 0.00031; TOPMed 0.00043; gnomAD 0.00050; ExAC 0.00054; ESP Exome Variant Server 0.00062; gnomAD exomes 0.00072.
gnomAD v4.1: 1,109 of 1,614,134 alleles (0.069%); highest among the groups gnomAD compares: Non-Finnish European, 0.087%; no homozygotes.

Submissions (2):

PreventionGenetics, part of Exact Sciences
Classification: Likely benign for CADM3-related condition. Last evaluated: 2026-05-05. Review status: criteria provided, single submitter. Criteria: ACMG Guidelines, 2015. Collection method: clinical testing. Allele origin: germline.
Comment: This variant is classified as likely benign based on ACMG/AMP sequence variant interpretation guidelines (Richards et al. 2015 PMID: 25741868, with internal and published modifications).

CeGaT Center for Human Genetics Tuebingen
Classification: Likely benign. Last evaluated: 2023-02-01. Review status: criteria provided, single submitter. Criteria: CeGaT Center For Human Genetics Tuebingen Variant Classification Criteria Version 2. Collection method: clinical testing. Allele origin: germline. Affected: yes. Observed: 1 variant allele.
Comment: CADM3: BP4, BP7

NM_001127173.3(CADM3):c.195T>G (p.Pro65=)

Gene: CADM3 (cell adhesion molecule 3; plus strand). Cytogenetic location: 1q23.2.
Variant type: single nucleotide variant.
Coding change: c.195T>G on transcript NM_001127173.3 (MANE Select); coding-DNA position 195, T replaced by G.
Protein change: p.Pro65=; no amino-acid change (proline 65 retained).
Molecular consequence: synonymous variant.
Genome position (GRCh38, 1-based): chr1:159,192,042, T>G. VCF-style: chr1-159192042-T-G. GRCh37 (hg19) VCF-style: chr1-159161832-T-G.
Other names: c.297T>G (NM_021189.4); c.195T>G, p.Pro65= (NM_001346510.2); c.297T>G, p.Pro99= (NM_021189.5).
Identifiers: ClinVar variation 2639483 (VCV002639483.25), dbSNP rs140248716, ClinGen allele CA1187260.